The following is an entry in ClinVar:

ClinVar aggregate classification (germline): Uncertain significance (1 of 4 stars; one submission).

Conditions:
Hereditary cancer-predisposing syndrome. Also called: Hereditary Cancer Syndrome; Hereditary neoplastic syndrome; Neoplastic Syndromes, Hereditary; Tumor predisposition. Identifiers: Orphanet 140162, MedGen C0027672, MeSH D009386, MONDO:0015356.

Submission:

Ambry Genetics
Classification: Uncertain significance for Hereditary cancer-predisposing syndrome. Last evaluated: 2022-10-24. Review status: criteria provided, single submitter. Criteria: Ambry Variant Classification Scheme 2023. Collection method: clinical testing. Allele origin: germline.
Comment: The p.A196V variant (also known as c.587C>T), located in coding exon 2 of the BLM gene, results from a C to T substitution at nucleotide position 587. The alanine at codon 196 is replaced by valine, an amino acid with similar properties. This amino acid position is conserved. In addition, this alteration is predicted to be tolerated by in silico analysis. Since supporting evidence is limited at this time, the clinical significance of this alteration remains unclear.

NM_000057.4(BLM):c.587C>T (p.Ala196Val)

Gene: BLM (BLM RecQ like helicase; plus strand). Cytogenetic location: 15q26.1.
Variant type: single nucleotide variant.
Coding change: c.587C>T on transcript NM_000057.4 (MANE Select); coding-DNA position 587, C replaced by T.
Protein change: p.Ala196Val; replaces alanine 196 with valine.
Molecular consequence: missense variant. On other transcripts: 5 prime UTR variant (1).
Genome position (GRCh38, 1-based): chr15:90,749,855, C>T. VCF-style: chr15-90749855-C-T. GRCh37 (hg19) VCF-style: chr15-91293085-C-T.
Other names: c.587C>T, p.Ala196Val (NM_001287246.2, NM_001287247.2); c.-705C>T (NM_001287248.2); short protein forms A196V.
Identifiers: ClinVar variation 1750245 (VCV001750245.2), dbSNP rs1895626846, ClinGen allele CA393841118.
Genomic context (GRCh38, chr15:90,749,855, plus strand): 5'-ACTTTGTAAGAGTAAGCACTGCTCAGAAATCAAAAAAGGGTAAGAGAAACTTTTTTAAAG[C>T]ACAGCTTTATACAACAAACACAGTAAAGACTGATTTGCCTCCACCCTCCTCTGAAAGCGA-3'
Protein context (NP_000048.1, residues 186-206): SKKGKRNFFK[Ala196Val]QLYTTNTVKT